The following is an entry in ClinVar:

NM_006565.4(CTCF):c.958C>T (p.Arg320Cys)

Gene: CTCF (CCCTC-binding factor; plus strand). Cytogenetic location: 16q22.1.
Variant type: single nucleotide variant.
Coding change: c.958C>T on transcript NM_006565.4 (MANE Select); coding-DNA position 958, C replaced by T.
Protein change: p.Arg320Cys; replaces arginine 320 with cysteine.
Molecular consequence: missense variant. On other transcripts: 5 prime UTR variant (1).
Genome position (GRCh38, 1-based): chr16:67,616,750, C>T. VCF-style: chr16-67616750-C-T. GRCh37 (hg19) VCF-style: chr16-67650653-C-T.
Other names: c.-27C>T (NM_001191022.2); c.958C>T, p.Arg320Cys (NM_001363916.2); short protein forms R320C.
Identifiers: ClinVar variation 3066181 (VCV003066181.1), dbSNP rs1161257134, ClinGen allele CA396311711.

ClinVar aggregate classification (germline): Uncertain significance (1 of 4 stars; one submission).

Conditions:
CTCF-related neurodevelopmental disorder. Also called: Intellectual disability-feeding difficulties-developmental delay-microcephaly syndrome; INTELLECTUAL DEVELOPMENTAL DISORDER, AUTOSOMAL DOMINANT 21. Identifiers: Orphanet 363611, MedGen C3809686, MONDO:0014213, OMIM 615502.

Submission:

MVZ Medizinische Genetik Mainz
Classification: Uncertain significance for CTCF-related neurodevelopmental disorder. Last evaluated: 2023-10-11. Review status: criteria provided, single submitter. Criteria: UK Practice Guidelines For Variant Classification V4 01 2020. Collection method: clinical testing. Allele origin: germline. Inheritance: Autosomal dominant inheritance. Affected: yes. Observed: 1 variant allele.
Comment: ACMG Criteria: PM2_SUP,PP2